The following is an entry in ClinVar:

NM_012123.4(MTO1):c.307A>G (p.Ile103Val)

Gene: MTO1 (mitochondrial tRNA translation optimization 1; plus strand). Cytogenetic location: 6q13.
Variant type: single nucleotide variant.
Coding change: c.307A>G on transcript NM_012123.4 (MANE Select); coding-DNA position 307, A replaced by G.
Protein change: p.Ile103Val; replaces isoleucine 103 with valine.
Molecular consequence: missense variant.
Genome position (GRCh38, 1-based): chr6:73,466,298, A>G. VCF-style: chr6-73466298-A-G. GRCh37 (hg19) VCF-style: chr6-74176021-A-G.
Other names: c.307A>G, p.Ile103Val (NM_001123226.2, NM_133645.3); c.307A>G (NM_001123226.1); short protein forms I103V.
Identifiers: ClinVar variation 1400417 (VCV001400417.6), dbSNP rs574980280, ClinGen allele CA3889312.

ClinVar aggregate classification (germline): Uncertain significance. Review status: criteria provided, multiple submitters, no conflicts (2 of 4 stars). 2 submissions from 2 submitters: Uncertain significance (2). Last evaluated 2022-12-16.

Conditions:
Inborn genetic diseases. Identifiers: MedGen C0950123, MeSH D030342.
Mitochondrial hypertrophic cardiomyopathy with lactic acidosis due to MTO1 deficiency. Also called: CARDIOMYOPATHY, INFANTILE HYPERTROPHIC MITOCHONDRIAL, AND LACTIC ACIDOSIS; Combined oxidative phosphorylation deficiency 10. Identifiers: Orphanet 314637, MedGen C4749921, MONDO:0013865, OMIM 614702.

Allele frequency attached by ClinVar (database versions not stated): TOPMed below 0.00001; gnomAD 0.00002; gnomAD exomes 0.00002 and 0.00006; ExAC 0.00007; 1000 Genomes Project 0.00040; 1000 Genomes Project 30x 0.00047.
gnomAD v4.1: 37 of 1,614,154 alleles (0.0023%); highest among the groups gnomAD compares: South Asian, 0.04%; 1 homozygote.

Submissions (2):

Labcorp Genetics (formerly Invitae), Labcorp
Classification: Uncertain significance for Mitochondrial hypertrophic cardiomyopathy with lactic acidosis due to MTO1 deficiency. Last evaluated: 2022-12-16. Review status: criteria provided, single submitter. Criteria: Invitae Variant Classification Sherloc (09022015). Collection method: clinical testing. Allele origin: germline.
Comment: Advanced modeling of protein sequence and biophysical properties (such as structural, functional, and spatial information, amino acid conservation, physicochemical variation, residue mobility, and thermodynamic stability) performed at Invitae indicates that this missense variant is not expected to disrupt MTO1 protein function. This sequence change replaces isoleucine, which is neutral and non-polar, with valine, which is neutral and non-polar, at codon 103 of the MTO1 protein (p.Ile103Val). This variant is present in population databases (rs574980280, gnomAD 0.05%). This variant has not been reported in the literature in individuals affected with MTO1-related conditions. ClinVar contains an entry for this variant (Variation ID: 1400417). In summary, the available evidence is currently insufficient to determine the role of this variant in disease. Therefore, it has been classified as a Variant of Uncertain Significance.

Ambry Genetics
Classification: Uncertain significance for Inborn genetic diseases. Last evaluated: 2022-12-15. Review status: criteria provided, single submitter. Criteria: Ambry Variant Classification Scheme 2023. Collection method: clinical testing. Allele origin: germline.